The following is an entry in ClinVar:

ClinVar aggregate classification (germline): Uncertain significance. Review status: criteria provided, multiple submitters, no conflicts (2 of 4 stars). 2 submissions from 2 submitters: Uncertain significance (2). Last evaluated 2024-01-06.

Submissions (2):

Labcorp Genetics (formerly Invitae), Labcorp
Classification: Uncertain significance. Last evaluated: 2024-01-06. Review status: criteria provided, single submitter. Criteria: Invitae Variant Classification Sherloc (09022015). Collection method: clinical testing. Allele origin: germline.
Comment: This sequence change replaces arginine, which is basic and polar, with lysine, which is basic and polar, at codon 710 of the RASA2 protein (p.Arg710Lys). This variant is not present in population databases (gnomAD no frequency). This variant has not been reported in the literature in individuals affected with RASA2-related conditions. ClinVar contains an entry for this variant (Variation ID: 997931). Advanced modeling of protein sequence and biophysical properties (such as structural, functional, and spatial information, amino acid conservation, physicochemical variation, residue mobility, and thermodynamic stability) performed at Invitae indicates that this missense variant is not expected to disrupt RASA2 protein function with a negative predictive value of 80%. In summary, the available evidence is currently insufficient to determine the role of this variant in disease. Therefore, it has been classified as a Variant of Uncertain Significance.

Women's Health and Genetics/Laboratory Corporation of America, LabCorp
Classification: Uncertain significance. Last evaluated: 2021-02-01. Review status: criteria provided, single submitter. Criteria: LabCorp Variant Classification Summary - May 2015. Collection method: clinical testing. Allele origin: germline.
Comment: Variant summary: RASA2 c.2129G>A (p.Arg710Lys) results in a conservative amino acid change located in the RASA2, PH domain (IPR037773) of the encoded protein sequence. Four of five in-silico tools predict a damaging effect of the variant on protein function. The variant was absent in 251230 control chromosomes (gnomAD). The available data on variant occurrences in the general population are insufficient to allow any conclusion about variant significance. To our knowledge, no occurrence of c.2129G>A in individuals affected with Noonan Syndrome and no experimental evidence demonstrating its impact on protein function have been reported. No clinical diagnostic laboratories have submitted clinical-significance assessments for this variant to ClinVar after 2014. Based on the evidence outlined above, the variant was classified as uncertain significance.

NM_006506.5(RASA2):c.2129G>A (p.Arg710Lys)

Gene: RASA2 (RAS p21 protein activator 2; plus strand). Cytogenetic location: 3q23.
Variant type: single nucleotide variant.
Coding change: c.2129G>A on transcript NM_006506.5 (MANE Select); coding-DNA position 2129, G replaced by A.
Protein change: p.Arg710Lys; replaces arginine 710 with lysine.
Molecular consequence: missense variant.
Genome position (GRCh38, 1-based): chr3:141,608,601, G>A. VCF-style: chr3-141608601-G-A. GRCh37 (hg19) VCF-style: chr3-141327443-G-A.
Other names: c.2132G>A, p.Arg711Lys (NM_001303245.3); c.2141G>A, p.Arg714Lys (NM_001303246.3); short protein forms R710K, R711K, R714K.
Identifiers: ClinVar variation 997931 (VCV000997931.4), dbSNP rs2083586079, ClinGen allele CA354774728.